The following is an entry in ClinVar:

ClinVar aggregate classification (germline): Uncertain significance (1 of 4 stars; one submission).

Conditions:
Neuropathy, hereditary sensory and autonomic, type 1C. Also called: HSAN IC; HSN IC. Identifiers: Orphanet 36386, MedGen C3150896, MONDO:0013337, OMIM 613640.

Submission:

Labcorp Genetics (formerly Invitae), Labcorp
Classification: Uncertain significance for Neuropathy, hereditary sensory and autonomic, type 1C. Last evaluated: 2024-06-30. Review status: criteria provided, single submitter. Criteria: Invitae Variant Classification Sherloc (09022015). Collection method: clinical testing. Allele origin: germline.
Comment: This sequence change replaces proline, which is neutral and non-polar, with serine, which is neutral and polar, at codon 354 of the SPTLC2 protein (p.Pro354Ser). This variant is not present in population databases (gnomAD no frequency). This variant has not been reported in the literature in individuals affected with SPTLC2-related conditions. ClinVar contains an entry for this variant (Variation ID: 1003505). Advanced modeling of protein sequence and biophysical properties (such as structural, functional, and spatial information, amino acid conservation, physicochemical variation, residue mobility, and thermodynamic stability) performed at Invitae indicates that this missense variant is not expected to disrupt SPTLC2 protein function with a negative predictive value of 80%. In summary, the available evidence is currently insufficient to determine the role of this variant in disease. Therefore, it has been classified as a Variant of Uncertain Significance.

NM_004863.4(SPTLC2):c.1060C>T (p.Pro354Ser)

Gene: SPTLC2 (serine palmitoyltransferase long chain base subunit 2; minus strand). Cytogenetic location: 14q24.3.
Variant type: single nucleotide variant.
Coding change: c.1060C>T on transcript NM_004863.4 (MANE Select); coding-DNA position 1060, C replaced by T.
Protein change: p.Pro354Ser; replaces proline 354 with serine.
Molecular consequence: missense variant.
Genome position (GRCh38, 1-based): chr14:77,555,416, G>A on the plus strand (C>T on the coding strand, the complement: SPTLC2 is on the minus strand). VCF-style: chr14-77555416-G-A. GRCh37 (hg19) VCF-style: chr14-78021759-G-A.
Other names: short protein forms P354S.
Identifiers: ClinVar variation 1003505 (VCV001003505.8), dbSNP rs2079577617, ClinGen allele CA390708784.